The following is an entry in ClinVar:

ClinVar aggregate classification (germline): Pathogenic (1 of 4 stars; one submission).

Conditions:
Cerebral cavernous malformation (CCM). Also called: Cerebral cavernous hemangioma (type); CAVERNOUS ANGIOMA, FAMILIAL; CAVERNOUS ANGIOMATOUS MALFORMATIONS; CEREBRAL CAPILLARY MALFORMATIONS; Cerebral cavernous malformations; Cavernous Hemangioma of Brain. Identifiers: Orphanet 221061, MedGen C2919945, MONDO:0000820, OMIM 116860, HP:0033522.

Submission:

Labcorp Genetics (formerly Invitae), Labcorp
Classification: Pathogenic for Cerebral cavernous malformation. Last evaluated: 2021-11-06. Review status: criteria provided, single submitter. Criteria: Invitae Variant Classification Sherloc (09022015). Collection method: clinical testing. Allele origin: germline.
Comment: For these reasons, this variant has been classified as Pathogenic. This variant disrupts a region of the KRIT1 protein in which other variant(s) (p.Lys705*, p.Phe708*) have been determined to be pathogenic (Invitae). This suggests that this is a clinically significant region of the protein, and that variants that disrupt it are likely to be disease-causing. This variant has not been reported in the literature in individuals affected with KRIT1-related conditions. This variant is a gross deletion of the genomic region encompassing exon(s) 19-20 of the KRIT1 gene, which includes the termination codon. This deletion extends beyond the assayed region for this gene and therefore may encompass additional genes. While this deletion is not anticipated to lead to nonsense mediated decay, it is expected to alter mRNA translation or result in a truncated protein product.

NC_000007.13:g.(?_91830050)_(91830803_?)del

Gene: KRIT1 (KRIT1 ankyrin repeat containing; minus strand). Cytogenetic location: 7q21.2.
Variant type: Deletion.
Identifiers: ClinVar variation 1457199 (VCV001457199.5).